The following is an entry in ClinVar:

NM_006346.4(PIBF1):c.469C>T (p.Arg157Cys)

Gene: PIBF1 (progesterone immunomodulatory binding factor 1; plus strand). Cytogenetic location: 13q21.33.
Variant type: single nucleotide variant.
Coding change: c.469C>T on transcript NM_006346.4 (MANE Select); coding-DNA position 469, C replaced by T.
Protein change: p.Arg157Cys; replaces arginine 157 with cysteine.
Molecular consequence: missense variant. On other transcripts: non-coding transcript variant (2).
Genome position (GRCh38, 1-based): chr13:72,795,474, C>T. VCF-style: chr13-72795474-C-T. GRCh37 (hg19) VCF-style: chr13-73369612-C-T.
Other names: c.469C>T, p.Arg157Cys (NM_001349655.2); short protein forms R157C.
Identifiers: ClinVar variation 3057317 (VCV003057317.3), dbSNP rs372068016, ClinGen allele CA7001959.

ClinVar aggregate classification (germline): Uncertain significance. Review status: criteria provided, single submitter (1 of 4 stars). 2 submissions from 2 submitters: Uncertain significance (1). 1 of the submissions does not count toward it. Last evaluated 2024-03-25.

Conditions:
PIBF1-related disorder. Also called: PIBF1-related condition.

Allele frequency attached by ClinVar (database versions not stated): gnomAD exomes 0.00002; ExAC 0.00003; ESP Exome Variant Server 0.00008; gnomAD 0.00008; TOPMed 0.00009; 1000 Genomes Project 30x 0.00016.

Submissions (2):

Blueprint Genetics
Classification: Uncertain significance. Last evaluated: 2024-03-25. Review status: criteria provided, single submitter. Criteria: ACMG Guidelines, 2015. Collection method: clinical testing. Allele origin: germline.

PreventionGenetics, part of Exact Sciences
Classification: Uncertain significance for PIBF1-related condition. Last evaluated: 2023-12-19. Review status: no assertion criteria provided. Collection method: clinical testing. Allele origin: germline. Not counted in ClinVar's aggregate classification.
Comment: The PIBF1 c.469C>T variant is predicted to result in the amino acid substitution p.Arg157Cys. To our knowledge, this variant has not been reported in the literature. This variant is reported in 0.016% of alleles in individuals of African descent in gnomAD. At this time, the clinical significance of this variant is uncertain due to the absence of conclusive functional and genetic evidence.